The following is an entry in ClinVar:

NM_014956.5(CEP164):c.591_593delinsCTCCATATATGAGGACAAGACTGCTCTCAGC (p.Leu198fs)

Gene: CEP164 (centrosomal protein 164; plus strand). Cytogenetic location: 11q23.3.
Variant type: Indel.
Coding change: c.591_593delinsCTCCATATATGAGGACAAGACTGCTCTCAGC on transcript NM_014956.5 (MANE Select); coding-DNA positions 591 to 593, the reference bases replaced by an inserted sequence.
Protein change: p.Leu198fs; shifts the reading frame from leucine 198.
Molecular consequence: frameshift variant.
Genome position (GRCh38, 1-based): chr11:117,362,442-117,362,444, 3 bases replaced. GRCh37 (hg19): chr11:117,233,158-117,233,160.
Other names: c.591_593delinsCTCCATATATGAGGACAAGACTGCTCTCAGC, p.Leu198fs (NM_001271933.2); short protein forms L198fs.
Identifiers: ClinVar variation 2773085 (VCV002773085.3), dbSNP rs2540954952, ClinGen allele CA2697558963.
Genomic context (GRCh38, chr11:117,362,442, plus strand): 5'-ACTGTCCTTCTCTATTTTGAAGCCTTCACAGGGTCTCAAGACCTCTGCTTATACAAAGGG[TCT>CTCCATATATGAGGACAAGACTGCTCTCAGC]CTTGGGCTCCATATATGAGGACAAGACTGCTCTCAGCCTCTTGGGTTTAGGAGAAGAAAC-3'

ClinVar aggregate classification (germline): Pathogenic (1 of 4 stars; one submission).

Conditions:
Nephronophthisis 15 (NPHP15). Identifiers: Orphanet 3156, MedGen C3541853, MONDO:0013917, OMIM 614845.

Submission:

Labcorp Genetics (formerly Invitae), Labcorp
Classification: Pathogenic for Nephronophthisis 15. Last evaluated: 2023-10-31. Review status: criteria provided, single submitter. Criteria: Invitae Variant Classification Sherloc (09022015). Collection method: clinical testing. Allele origin: germline.
Comment: This sequence change creates a premature translational stop signal (p.Leu198Serfs*16) in the CEP164 gene. It is expected to result in an absent or disrupted protein product. Loss-of-function variants in CEP164 are known to be pathogenic (PMID: 22863007, 28125082, 32367404, 34132027, 34499853). This variant is not present in population databases (gnomAD no frequency). This variant has not been reported in the literature in individuals affected with CEP164-related conditions. For these reasons, this variant has been classified as Pathogenic.

Literature cited by the submitters: PubMed 22863007; PubMed 28125082; PubMed 32367404; PubMed 34132027; PubMed 34499853.